The following is an entry in ClinVar:

NM_000090.4(COL3A1):c.2150G>A (p.Gly717Asp)

Gene: COL3A1 (collagen type III alpha 1 chain; plus strand). Cytogenetic location: 2q32.2.
Variant type: single nucleotide variant.
Coding change: c.2150G>A on transcript NM_000090.4 (MANE Select); coding-DNA position 2150, G replaced by A.
Protein change: p.Gly717Asp; replaces glycine 717 with aspartic acid.
Molecular consequence: missense variant.
Genome position (GRCh38, 1-based): chr2:188,999,498, G>A. VCF-style: chr2-188999498-G-A. GRCh37 (hg19) VCF-style: chr2-189864224-G-A.
Identifiers: ClinVar variation 101253 (VCV000101253.4), dbSNP rs587779549, ClinGen allele CA005121.

ClinVar aggregate classification (germline): Pathogenic/Likely pathogenic. Review status: criteria provided, multiple submitters, no conflicts (2 of 4 stars). 3 submissions from 3 submitters: Pathogenic (1); Likely pathogenic (1). 1 of the submissions does not count toward it. Last evaluated 2026-01-06.

Conditions:
Ehlers-Danlos syndrome, type 4 (EDSVASC). Also called: Ehlers-Danlos syndrome vascular type; Ehlers Danlos syndrome, ecchymotic type; Ehlers Danlos syndrome, arterial type; Ehlers Danlos syndrome, Sack-Barabas type; Ehlers-Danlos Syndrome Type IV. Identifiers: Orphanet 286, MedGen C0268338, MONDO:0017314, OMIM 130050.

Submissions (3):

Labcorp Genetics (formerly Invitae), Labcorp
Classification: Pathogenic for Ehlers-Danlos syndrome, type 4. Last evaluated: 2026-01-06. Review status: criteria provided, single submitter. Criteria: Invitae Variant Classification Sherloc (09022015). Collection method: clinical testing. Allele origin: germline.
Comment: This sequence change replaces glycine, which is neutral and non-polar, with aspartic acid, which is acidic and polar, at codon 717 of the COL3A1 protein (p.Gly717Asp). This variant is not present in population databases (gnomAD no frequency). This missense change has been observed in individuals with Ehlers-Danlos syndrome (PMID: 24932165, 30474650). ClinVar contains an entry for this variant (Variation ID: 101253). Invitae Evidence Modeling of protein sequence and biophysical properties (such as structural, functional, and spatial information, amino acid conservation, physicochemical variation, residue mobility, and thermodynamic stability) indicates that this missense variant is expected to disrupt COL3A1 protein function with a positive predictive value of 95%. This variant disrupts the triple helix domain of COL3A1. Glycine residues within the Gly-Xaa-Yaa repeats of the triple helix domain are required for the structure and stability of fibrillar collagens (PMID: 7695699, 8218237, 19344236). In COL3A1, variants that affect these glycine residues are significantly enriched in individuals with disease (PMID: 24922459, 25758994) compared to the general population (ExAC). For these reasons, this variant has been classified as Pathogenic.

Clinical Genetics Laboratory, Skane University Hospital Lund
Classification: Likely pathogenic. Last evaluated: 2022-05-27. Review status: criteria provided, single submitter. Criteria: ACMG Guidelines, 2015. Collection method: clinical testing. Allele origin: germline. Affected: yes.

Collagen Diagnostic Laboratory, University of Washington
Classification: Pathogenic for Ehlers-Danlos syndrome, type 4. Review status: no assertion criteria provided. Collection method: clinical testing. Allele origin: germline. Affected: yes. Not counted in ClinVar's aggregate classification.

Literature cited by the submitters: PubMed 24932165 (cited by Labcorp Genetics (formerly Invitae), Labcorp); PubMed 30474650 (cited by Labcorp Genetics (formerly Invitae), Labcorp); PubMed 7695699 (cited by Labcorp Genetics (formerly Invitae), Labcorp); PubMed 8218237 (cited by Labcorp Genetics (formerly Invitae), Labcorp); PubMed 19344236 (cited by Labcorp Genetics (formerly Invitae), Labcorp); PubMed 24922459 (cited by Labcorp Genetics (formerly Invitae), Labcorp); PubMed 25758994 (cited by Labcorp Genetics (formerly Invitae), Labcorp).